The following is an entry in ClinVar:

ClinVar aggregate classification (germline): Benign/Likely benign. Review status: criteria provided, multiple submitters, no conflicts (2 of 4 stars). 4 submissions from 4 submitters: Benign (2); Likely benign (1). 1 of the submissions does not count toward it. Last evaluated 2026-01-28.

Conditions:
Cerebellar ataxia, impaired intellectual development, and dysequilibrium syndrome 1. Also called: CEREBELLAR ATAXIA AND MENTAL RETARDATION WITH OR WITHOUT QUADRUPEDAL LOCOMOTION 1; CEREBELLAR ATAXIA, CONGENITAL, AND MENTAL RETARDATION, AUTOSOMAL RECESSIVE; VLDLR Cerebellar Hypoplasia; Cerebellar hypoplasia and mental retardation with or without quadrupedal locomotion 1; Cerebellar ataxia, intellectual disability, and dysequilibrium syndrome 1; Cerebellar ataxia, mental retardation, and dysequilibrium syndrome 1. Identifiers: Orphanet 1766, MedGen C4551552, MONDO:0024542, OMIM 224050.

Allele frequency attached by ClinVar (database versions not stated): gnomAD exomes 0.00121 and 0.00189; ExAC 0.00188; 1000 Genomes Project 30x 0.00344; 1000 Genomes Project 0.00399; gnomAD 0.00058 and 0.00092; TOPMed 0.00089; ESP Exome Variant Server 0.00008.
gnomAD v4.1: 1,887 of 1,612,592 alleles (0.12%); highest among the groups gnomAD compares: East Asian, 3.9%; 35 homozygotes.

Submissions (4):

Labcorp Genetics (formerly Invitae), Labcorp
Classification: Benign. Last evaluated: 2026-01-28. Review status: criteria provided, single submitter. Criteria: Invitae Variant Classification Sherloc (09022015). Collection method: clinical testing. Allele origin: germline.

GeneDx
Classification: Benign. Last evaluated: 2017-08-02. Review status: criteria provided, single submitter. Criteria: GeneDx Variant Classification (06012015). Collection method: clinical testing. Allele origin: germline. Affected: yes.
Comment: This variant is considered likely benign or benign based on one or more of the following criteria: it is a conservative change, it occurs at a poorly conserved position in the protein, it is predicted to be benign by multiple in silico algorithms, and/or has population frequency not consistent with disease.

Illumina Laboratory Services, Illumina
Classification: Likely benign for Cerebellar ataxia, impaired intellectual development, and dysequilibrium syndrome 1. Last evaluated: 2017-04-27. Review status: criteria provided, single submitter. Criteria: ICSL Variant Classification Criteria 13 December 2019. Collection method: clinical testing. Allele origin: germline.
Comment: This variant was observed as part of a predisposition screen in an ostensibly healthy population. A literature search was performed for the gene, cDNA change, and amino acid change (where applicable). No publications were found based on this search. Allele frequency data from public databases allowed determination this variant is unlikely to cause disease. Therefore, this variant is classified as likely benign.

Genetic Services Laboratory, University of Chicago
Classification: Likely benign for AllHighlyPenetrant. Review status: no assertion criteria provided. Collection method: clinical testing. Allele origin: germline. Inheritance: Autosomal recessive inheritance. Not counted in ClinVar's aggregate classification.
Comment: Likely benign based on allele frequency in 1000 Genomes Project or ESP global frequency and its presence in a patient with a rare or unrelated disease phenotype. NOT Sanger confirmed.

NM_003383.5(VLDLR):c.468C>T (p.Pro156=)

Gene: VLDLR (very low density lipoprotein receptor; plus strand). Cytogenetic location: 9p24.2.
Variant type: single nucleotide variant.
Coding change: c.468C>T on transcript NM_003383.5 (MANE Select); coding-DNA position 468, C replaced by T.
Protein change: p.Pro156=; no amino-acid change (proline 156 retained).
Molecular consequence: synonymous variant.
Genome position (GRCh38, 1-based): chr9:2,643,179, C>T. VCF-style: chr9-2643179-C-T. GRCh37 (hg19) VCF-style: chr9-2643179-C-T.
Other names: c.468C>T, p.Pro156= (NM_001018056.3); c.345C>T, p.Pro115= (NM_001322225.2, NM_001322226.2).
Identifiers: ClinVar variation 130712 (VCV000130712.19), dbSNP rs2242105, ClinGen allele CA155927.